The following is an entry in ClinVar:

ClinVar aggregate classification (germline): Likely pathogenic. Review status: criteria provided, multiple submitters, no conflicts (2 of 4 stars). 2 submissions from 2 submitters: Likely pathogenic (2). Last evaluated 2021-07-06.

Conditions:
Deafness-lymphedema-leukemia syndrome. Also called: Lymphedema, primary, with myelodysplasia; Emberger syndrome. Identifiers: Orphanet 3226, MedGen C3279664, MONDO:0013540, OMIM 614038.
GATA2 deficiency with susceptibility to MDS/AML. Identifiers: MedGen CN300066, MONDO:0042982.
Leukemia, acute myeloid, susceptibility to. Identifiers: MedGen C3275959, MONDO:0100173.

Submissions (2):

Molecular Pathology Research Laboratory, SA Pathology
Classification: Likely pathogenic for GATA2 deficiency with susceptibility to MDS/AML; Deafness-lymphedema-leukemia syndrome. Last evaluated: 2021-07-06. Review status: criteria provided, single submitter. Criteria: ACMG Guidelines, 2015. Collection method: curation. Allele origin: germline. Inheritance: Autosomal dominant inheritance. Affected: yes. Observed: 2 variant alleles.
Comment: PS4_Moderate, PM1, PM2, PM5, PP3

Genetic Services Laboratory, University of Chicago
Classification: Likely pathogenic for {Leukemia, acute myeloid, susceptibility to}. Last evaluated: 2015-10-01. Review status: criteria provided, single submitter. Criteria: ACMG Guidelines, 2015. Collection method: clinical testing. Allele origin: germline. Affected: yes.

Literature cited by the submitters: PubMed 28104920 (cited by Molecular Pathology Research Laboratory, SA Pathology); PubMed 29724903 (cited by Molecular Pathology Research Laboratory, SA Pathology).

NM_032638.5(GATA2):c.1081C>G (p.Arg361Gly)

Gene: GATA2 (GATA binding protein 2; minus strand). Cytogenetic location: 3q21.3.
Variant type: single nucleotide variant.
Coding change: c.1081C>G on transcript NM_032638.5 (MANE Select); coding-DNA position 1081, C replaced by G.
Protein change: p.Arg361Gly; replaces arginine 361 with glycine.
Molecular consequence: missense variant.
Genome position (GRCh38, 1-based): chr3:128,481,881, G>C on the plus strand (C>G on the coding strand, the complement: GATA2 is on the minus strand). VCF-style: chr3-128481881-G-C. GRCh37 (hg19) VCF-style: chr3-128200724-G-C.
Other names: c.1081C>G, p.Arg361Gly (NM_001145661.2); c.1039C>G, p.Arg347Gly (NM_001145662.1); short protein forms R361G, R347G.
Identifiers: ClinVar variation 435282 (VCV000435282.7), dbSNP rs1426175410, ClinGen allele CA354413578.
Genomic context (GRCh38, chr3:128,481,881, plus strand): 5'-TGTGCAGCTTGTAGTAGAGGCCACAGGCGTTGCAGACAGGGTCCCCGTTGGCGTTTCGGC[G>C]CCATAAGGTGGTGGTTGTCGTCTGACAATTTGCACAACAGGTGCCGGCTCTTCTGGCGGC-3'
Protein context (NP_116027.2, residues 351-371): NCQTTTTTLW[Arg361Gly]RNANGDPVCN